The following is an entry in ClinVar:

ClinVar aggregate classification (germline): Uncertain significance. Review status: criteria provided, multiple submitters, no conflicts (2 of 4 stars). 3 submissions from 3 submitters: Uncertain significance (3). Last evaluated 2026-06-09.

Conditions:
SCN11A-related disorder. Also called: SCN11A-related condition.
Inborn genetic diseases. Identifiers: MedGen C0950123, MeSH D030342.
Familial episodic pain syndrome with predominantly lower limb involvement. Also called: Episodic pain syndrome, familial, 3. Identifiers: Orphanet 391384, Orphanet 391392, MedGen C3809899, MONDO:0014247, OMIM 615552.
Hereditary sensory and autonomic neuropathy type 7. Also called: HSAN VII; Neuropathy, hereditary sensory and autonomic, type VII. Identifiers: Orphanet 391397, MedGen C3809882, MONDO:0014244, OMIM 615548.

Allele frequency attached by ClinVar (database versions not stated): gnomAD exomes 0.00002 and 0.00003; gnomAD 0.00003; ExAC 0.00005; TOPMed 0.00005.
gnomAD v4.1: 17 of 1,613,308 alleles (0.0011%); highest among the groups gnomAD compares: African/African-American, 0.0013%; no homozygotes.

Submissions (3):

PreventionGenetics, part of Exact Sciences
Classification: Uncertain significance for SCN11A-related condition. Last evaluated: 2026-06-09. Review status: criteria provided, single submitter. Criteria: ACMG Guidelines, 2015. Collection method: clinical testing. Allele origin: germline.
Comment: The SCN11A c.1480C>T variant is predicted to result in the amino acid substitution p.Leu494Phe. To our knowledge, this variant has not been reported in the literature. This variant is reported in 0.0062% of alleles in individuals of European (Non-Finnish) descent in gnomAD. At this time, the clinical significance of this variant is uncertain due to the absence of conclusive functional and genetic evidence.

Labcorp Genetics (formerly Invitae), Labcorp
Classification: Uncertain significance for Familial episodic pain syndrome with predominantly lower limb involvement; Hereditary sensory and autonomic neuropathy type 7. Last evaluated: 2025-07-18. Review status: criteria provided, single submitter. Criteria: Invitae Variant Classification Sherloc (09022015). Collection method: clinical testing. Allele origin: germline.
Comment: This sequence change replaces leucine, which is neutral and non-polar, with phenylalanine, which is neutral and non-polar, at codon 494 of the SCN11A protein (p.Leu494Phe). This variant is present in population databases (rs770239361, gnomAD 0.006%). This variant has not been reported in the literature in individuals affected with SCN11A-related conditions. ClinVar contains an entry for this variant (Variation ID: 940301). An algorithm developed to predict the effect of missense changes on protein structure and function (PolyPhen-2) suggests that this variant is likely to be tolerated. In summary, the available evidence is currently insufficient to determine the role of this variant in disease. Therefore, it has been classified as a Variant of Uncertain Significance.

Ambry Genetics
Classification: Uncertain significance for Inborn genetic diseases. Last evaluated: 2021-02-23. Review status: criteria provided, single submitter. Criteria: Ambry Variant Classification Scheme 2023. Collection method: clinical testing. Allele origin: germline.
Comment: The p.L494F variant (also known as c.1480C>T), located in coding exon 11 of the SCN11A gene, results from a C to T substitution at nucleotide position 1480. The leucine at codon 494 is replaced by phenylalanine, an amino acid with highly similar properties. This amino acid position is well conserved in available vertebrate species. In addition, this alteration is predicted to be tolerated by in silico analysis. Since supporting evidence is limited at this time, the clinical significance of this alteration remains unclear.

NM_001349253.2(SCN11A):c.1480C>T (p.Leu494Phe)

Gene: SCN11A (sodium voltage-gated channel alpha subunit 11; minus strand). Cytogenetic location: 3p22.2.
Variant type: single nucleotide variant.
Coding change: c.1480C>T on transcript NM_001349253.2 (MANE Select); coding-DNA position 1480, C replaced by T.
Protein change: p.Leu494Phe; replaces leucine 494 with phenylalanine.
Molecular consequence: missense variant.
Genome position (GRCh38, 1-based): chr3:38,905,315, G>A on the plus strand (C>T on the coding strand, the complement: SCN11A is on the minus strand). VCF-style: chr3-38905315-G-A. GRCh37 (hg19) VCF-style: chr3-38946806-G-A.
Other names: c.1480C>T, p.Leu494Phe (NM_014139.3); short protein forms L494F.
Identifiers: ClinVar variation 940301 (VCV000940301.9), dbSNP rs770239361, ClinGen allele CA2322286.